The following is an entry in ClinVar:

NM_144999.4(LRRC45):c.1131C>T (p.Asp377=)

Gene: LRRC45 (leucine rich repeat containing 45; plus strand). Cytogenetic location: 17q25.3.
Variant type: single nucleotide variant.
Coding change: c.1131C>T on transcript NM_144999.4 (MANE Select); coding-DNA position 1131, C replaced by T.
Protein change: p.Asp377=; no amino-acid change (aspartic acid 377 retained).
Molecular consequence: synonymous variant.
Genome position (GRCh38, 1-based): chr17:82,028,402, C>T. VCF-style: chr17-82028402-C-T. GRCh37 (hg19) VCF-style: chr17-79986278-C-T.
Identifiers: ClinVar variation 4978628 (VCV004978628.1).

ClinVar aggregate classification (germline): Likely benign (1 of 4 stars; one submission).

Conditions:
LRRC45-related disorder. Also called: LRRC45-related condition.

Submission:

PreventionGenetics, part of Exact Sciences
Classification: Likely benign for LRRC45-related condition. Last evaluated: 2025-07-01. Review status: criteria provided, single submitter. Criteria: ACMG Guidelines, 2015. Collection method: clinical testing. Allele origin: germline.
Comment: This variant is classified as likely benign based on ACMG/AMP sequence variant interpretation guidelines (Richards et al. 2015 PMID: 25741868, with internal and published modifications).